The following is an entry in ClinVar:

ClinVar aggregate classification (germline): Uncertain significance (1 of 4 stars; one submission).

Submission:

Labcorp Genetics (formerly Invitae), Labcorp
Classification: Uncertain significance. Last evaluated: 2023-12-11. Review status: criteria provided, single submitter. Criteria: Invitae Variant Classification Sherloc (09022015). Collection method: clinical testing. Allele origin: germline.
Comment: This variant, c.102_104del, results in the deletion of 1 amino acid(s) of the GTF2E2 protein (p.Ser36del), but otherwise preserves the integrity of the reading frame. The frequency data for this variant in the population databases is considered unreliable, as metrics indicate poor data quality at this position in the gnomAD database. This variant has not been reported in the literature in individuals affected with GTF2E2-related conditions. Experimental studies and prediction algorithms are not available or were not evaluated, and the functional significance of this variant is currently unknown. In summary, the available evidence is currently insufficient to determine the role of this variant in disease. Therefore, it has been classified as a Variant of Uncertain Significance.

NM_002095.6(GTF2E2):c.93ATC[3] (p.Ser36del)

Gene: GTF2E2 (general transcription factor IIE subunit 2; minus strand). Cytogenetic location: 8p12.
Variant type: Microsatellite.
Coding change: c.93ATC[3] on transcript NM_002095.6 (MANE Select); three copies in a row of the 3-base unit ATC starting at c.93; the reference has four copies in a row; one copy, 3 bases deleted.
Protein change: p.Ser36del; deletes serine 36.
Molecular consequence: inframe deletion.
Genome position (GRCh38, 1-based): chr8:30,653,495-30,653,497, GAT deleted on the plus strand (ATC on the coding strand, the reverse complement: GTF2E2 is on the minus strand); deleting any 3 consecutive bases within chr8:30,653,495-30,653,508 gives the same sequence; the position shown is the placement nearest the transcript's 3' end. VCF-style (leftmost placement, unchanged base first): chr8-30653494-CGAT-C. GRCh37 (hg19) VCF-style: chr8-30511011-CGAT-C.
Other names: c.93ATC[3], p.Ser36del (NM_001348353.1); short protein forms S36del.
Identifiers: ClinVar variation 1016668 (VCV001016668.3), dbSNP rs572162637, ClinGen allele CA4701103.